The following is an entry in ClinVar:

ClinVar aggregate classification (germline): Uncertain significance (1 of 4 stars; one submission).

Conditions:
MPI-congenital disorder of glycosylation. Also called: CONGENITAL DISORDER OF GLYCOSYLATION, TYPE Ib; PROTEIN-LOSING ENTEROPATHY-HEPATIC FIBROSIS SYNDROME; MPI-CDG; CDG Ib; MPI DEFICIENCY; MANNOSEPHOSPHATE ISOMERASE DEFICIENCY. Identifiers: Orphanet 79319, MedGen C1865145, MONDO:0011257, OMIM 602579.

Submission:

Myriad Genetics, Inc.
Classification: Uncertain significance for MPI-congenital disorder of glycosylation. Last evaluated: 2025-09-25. Review status: criteria provided, single submitter. Criteria: Myriad Autosomal Dominant, Autosomal Recessive and X-Linked Classification Criteria (2023). Collection method: clinical testing. Allele origin: unknown.
Comment: NM_002435.1(MPI):c.1272A>C(*424Yext*35) is a frameshift variant that results in protein elongation classified as a variant of uncertain significance in the context of congenital disorder of glycosylation, MPI-related. *424Yext*35 has not been observed in cases with relevant disease. Relevant functional assessments of this variant are not available in the literature. *424Yext*35 has not been observed in referenced population frequency databases. In summary, there is insufficient evidence to classify NM_002435.1(MPI):c.1272A>C(*424Yext*35) as pathogenic or benign. Please note: this variant was assessed in the context of healthy population screening.

NM_002435.3(MPI):c.1272A>C (p.Ter424Tyr)

Gene: MPI (mannose phosphate isomerase; plus strand). Cytogenetic location: 15q24.1.
Variant type: single nucleotide variant.
Coding change: c.1272A>C on transcript NM_002435.3 (MANE Select); coding-DNA position 1272, A replaced by C.
Protein change: p.Ter424Tyr.
Molecular consequence: stop lost. On other transcripts: 3 prime UTR variant (1).
Genome position (GRCh38, 1-based): chr15:74,897,730, A>C. VCF-style: chr15-74897730-A-C. GRCh37 (hg19) VCF-style: chr15-75190071-A-C.
Other names: c.*199A>C (NM_001289155.2); c.1122A>C, p.Ter374Tyr (NM_001289156.2); c.1089A>C, p.Ter363Tyr (NM_001289157.2); c.1212A>C, p.Ter404Tyr (NM_001330372.2).
Identifiers: ClinVar variation 5004189 (VCV005004189.1).
Genomic context (GRCh38, chr15:74,897,730, plus strand): 5'-CTCACTGAAGCTTACTGAGCCGAAGGACCTGCTGATATTCCGTGCCTGCTGTCTGCTGTA[A>C]AGGCTGCAGCCTCCCCAGCTCTCCTCTGCCAGCCACCCTAAATTCCAGCCAACCTCACCT-3'